The following is an entry in ClinVar:

NM_003743.5(NCOA1):c.1276C>T (p.Leu426Phe)

Gene: NCOA1 (nuclear receptor coactivator 1; plus strand). Cytogenetic location: 2p23.3.
Variant type: single nucleotide variant.
Coding change: c.1276C>T on transcript NM_003743.5 (MANE Select); coding-DNA position 1276, C replaced by T.
Protein change: p.Leu426Phe; replaces leucine 426 with phenylalanine.
Molecular consequence: missense variant.
Genome position (GRCh38, 1-based): chr2:24,706,746, C>T. VCF-style: chr2-24706746-C-T. GRCh37 (hg19) VCF-style: chr2-24929615-C-T.
Other names: c.1276C>T, p.Leu426Phe (NM_001362950.1, NM_001362952.1, NM_001362954.1 and 3 more transcripts); short protein forms L426F.
Identifiers: ClinVar variation 3348776 (VCV003348776.2).
Genomic context (GRCh38, chr2:24,706,746, plus strand): 5'-TTGCCACCATCCAACAGCAACATGGTATCCACCAGAATAAACCGCCAGCAGAGCTCAGAC[C>T]TTCATAGCAGCAGTCATAGTAATTCTAGCAACAGCCAAGGAAGTTTCGGATGCTCACCCG-3'
Protein context (NP_003734.3, residues 416-436): TRINRQQSSD[Leu426Phe]HSSSHSNSSN

ClinVar aggregate classification (germline): Uncertain significance. Review status: criteria provided, single submitter (1 of 4 stars). 2 submissions from 2 submitters: Uncertain significance (1). 1 of the submissions does not count toward it. Last evaluated 2024-08-27.

Conditions:
NCOA1-related disorder. Also called: NCOA1-related condition.

gnomAD v4.1: 1 of 1,614,214 alleles (0.000062%); highest among the groups gnomAD compares: Admixed American, 0.0017%; no homozygotes.

Submissions (2):

Ambry Genetics
Classification: Uncertain significance. Last evaluated: 2024-08-27. Review status: criteria provided, single submitter. Criteria: Ambry Variant Classification Scheme 2023. Collection method: clinical testing. Allele origin: germline.

PreventionGenetics, part of Exact Sciences
Classification: Uncertain significance for NCOA1-related condition. Last evaluated: 2024-03-05. Review status: no assertion criteria provided. Collection method: clinical testing. Allele origin: germline. Not counted in ClinVar's aggregate classification.
Comment: The NCOA1 c.1276C>T variant is predicted to result in the amino acid substitution p.Leu426Phe. To our knowledge, this variant has not been reported in the literature or in a large population database, indicating this variant is rare. At this time, the clinical significance of this variant is uncertain due to the absence of conclusive functional and genetic evidence.